The following is an entry in ClinVar:

NM_000535.7(PMS2):c.476T>C (p.Val159Ala)

Gene: PMS2 (PMS1 homolog 2, mismatch repair system component; minus strand). Cytogenetic location: 7p22.1.
Variant type: single nucleotide variant.
Coding change: c.476T>C on transcript NM_000535.7 (MANE Select); coding-DNA position 476, T replaced by C.
Protein change: p.Val159Ala; replaces valine 159 with alanine.
Molecular consequence: missense variant. On other transcripts: 5 prime UTR variant (2), non-coding transcript variant (1).
Genome position (GRCh38, 1-based): chr7:6,002,514, A>G on the plus strand (T>C on the coding strand, the complement: PMS2 is on the minus strand). VCF-style: chr7-6002514-A-G. GRCh37 (hg19) VCF-style: chr7-6042145-A-G.
Other names: c.71T>C, p.Val24Ala (NM_001018040.1, NM_001322003.2, NM_001322004.2 and 25 more transcripts); c.476T>C, p.Val159Ala (NM_001322006.2, NM_001322014.2, NM_001406869.1 and 8 more transcripts); c.158T>C, p.Val53Ala (NM_001322007.2, NM_001322008.2, NM_001406876.1 and 4 more transcripts); c.-409T>C (NM_001322011.2, NM_001322012.2); c.167T>C, p.Val56Ala (NM_001322015.2, NM_001406875.1, NM_001406877.1 and 6 more transcripts); c.662T>C, p.Val221Ala (NM_001406866.1); c.500T>C, p.Val167Ala (NM_001406868.1); short protein forms V24A, V221A, V53A, V56A, V159A, V167A.
Identifiers: ClinVar variation 1742963 (VCV001742963.2), dbSNP rs2128816819, ClinGen allele CA366744278.

ClinVar aggregate classification (germline): Uncertain significance (1 of 4 stars; one submission).

Conditions:
Hereditary cancer-predisposing syndrome. Also called: Hereditary Cancer Syndrome; Hereditary neoplastic syndrome; Neoplastic Syndromes, Hereditary; Tumor predisposition. Identifiers: Orphanet 140162, MedGen C0027672, MeSH D009386, MONDO:0015356.

Submission:

Ambry Genetics
Classification: Uncertain significance for Hereditary cancer-predisposing syndrome. Last evaluated: 2021-11-30. Review status: criteria provided, single submitter. Criteria: Ambry Variant Classification Scheme 2023. Collection method: clinical testing. Allele origin: germline.
Comment: The p.V159A variant (also known as c.476T>C), located in coding exon 5 of the PMS2 gene, results from a T to C substitution at nucleotide position 476. The valine at codon 159 is replaced by alanine, an amino acid with similar properties. This amino acid position is not well conserved in available vertebrate species. In addition, the in silico prediction for this alteration is inconclusive. Since supporting evidence is limited at this time, the clinical significance of this alteration remains unclear.